The following is an entry in ClinVar:

NM_000268.4(NF2):c.882G>A (p.Lys294=)

Gene: NF2 (NF2, moesin-ezrin-radixin like (MERLIN) tumor suppressor; plus strand). Cytogenetic location: 22q12.2.
Variant type: single nucleotide variant.
Coding change: c.882G>A on transcript NM_000268.4 (MANE Select); coding-DNA position 882, G replaced by A.
Protein change: p.Lys294=; no amino-acid change (lysine 294 retained).
Molecular consequence: synonymous variant. On other transcripts: non-coding transcript variant (1), intron variant (1).
Genome position (GRCh38, 1-based): chr22:29,665,061, G>A. VCF-style: chr22-29665061-G-A. GRCh37 (hg19) VCF-style: chr22-30061050-G-A.
Other names: c.882G>A, p.Lys294= (NM_016418.5, NM_181825.3, NM_181832.3); c.756G>A, p.Lys252= (NM_181828.3); c.759G>A, p.Lys253= (NM_181829.3); c.633G>A, p.Lys211= (NM_181830.3, NM_181831.3); c.447+22776G>A (NM_181833.3).
Identifiers: ClinVar variation 457929 (VCV000457929.16), dbSNP rs146166875, ClinGen allele CA035551.

ClinVar aggregate classification (germline): Likely benign. Review status: criteria provided, multiple submitters, no conflicts (2 of 4 stars). 5 submissions from 5 submitters: Likely benign (5). Last evaluated 2026-01-26.

Conditions:
Hereditary cancer-predisposing syndrome. Also called: Neoplastic Syndromes, Hereditary; Hereditary Cancer Syndrome; Hereditary neoplastic syndrome; Tumor predisposition. Identifiers: Orphanet 140162, MedGen C0027672, MeSH D009386, MONDO:0015356.
Neurofibromatosis, type 2 (SWNV). Also called: NF2-Related Schwannomatosis; SCHWANNOMATOSIS, VESTIBULAR; BILATERAL ACOUSTIC NEUROFIBROMATOSIS. Identifiers: Orphanet 637, MedGen C0027832, MONDO:0007039, OMIM 101000. Disease mechanism: loss of function.

Allele frequency attached by ClinVar (database versions not stated): gnomAD 0.00001 and 0.00003; gnomAD exomes 0.00003 and 0.00004; TOPMed 0.00003; ExAC 0.00004; 1000 Genomes Project 0.00040; 1000 Genomes Project 30x 0.00047.
gnomAD v4.1: 42 of 1,612,388 alleles (0.0026%); highest among the groups gnomAD compares: East Asian, 0.085%; no homozygotes.

Submissions (5):

Labcorp Genetics (formerly Invitae), Labcorp
Classification: Likely benign for Neurofibromatosis, type 2. Last evaluated: 2026-01-26. Review status: criteria provided, single submitter. Criteria: Invitae Variant Classification Sherloc (09022015). Collection method: clinical testing. Allele origin: germline.

All of Us Research Program, National Institutes of Health
Classification: Likely benign for Neurofibromatosis, type 2. Last evaluated: 2023-11-30. Review status: criteria provided, single submitter. Criteria: ACMG Guidelines, 2015. Collection method: clinical testing. Allele origin: germline. Inheritance: Autosomal dominant inheritance. Observed: 6 variant alleles, 6 heterozygotes.
Comment: This study involves interpretation of variants in research participants for the purpose of population health screening. Participant phenotype was not available at the time of variant classification. Additional details can be found in publication PMID: 35346344, PMCID: PMC8962531

Color Diagnostics, LLC DBA Color Health
Classification: Likely benign for Neurofibromatosis, type 2. Last evaluated: 2022-11-06. Review status: criteria provided, single submitter. Criteria: ACMG Guidelines, 2015. Collection method: clinical testing. Allele origin: germline.

Blueprint Genetics
Classification: Likely benign. Last evaluated: 2020-03-30. Review status: criteria provided, single submitter. Criteria: ACMG Guidelines, 2015. Collection method: clinical testing. Allele origin: germline.

Ambry Genetics
Classification: Likely benign for Hereditary cancer-predisposing syndrome. Last evaluated: 2020-02-12. Review status: criteria provided, single submitter. Criteria: Ambry Variant Classification Scheme 2023. Collection method: clinical testing. Allele origin: germline.